The following is an entry in ClinVar:

ClinVar aggregate classification (germline): Uncertain significance. Review status: criteria provided, single submitter (1 of 4 stars). 2 submissions from 2 submitters: Uncertain significance (1). 1 of the submissions does not count toward it. Last evaluated 2023-05-31.

Conditions:
Baller-Gerold syndrome (BGS). Also called: CRANIOSYNOSTOSIS WITH RADIAL DEFECTS. Identifiers: Orphanet 1225, MedGen C0265308, MONDO:0009039, OMIM 218600.

gnomAD v4.1: 2 of 1,611,956 alleles (0.00012%); no homozygotes.

Submissions (2):

Labcorp Genetics (formerly Invitae), Labcorp
Classification: Uncertain significance for Baller-Gerold syndrome. Last evaluated: 2023-05-31. Review status: criteria provided, single submitter. Criteria: Invitae Variant Classification Sherloc (09022015). Collection method: clinical testing. Allele origin: germline.
Comment: Advanced modeling of protein sequence and biophysical properties (such as structural, functional, and spatial information, amino acid conservation, physicochemical variation, residue mobility, and thermodynamic stability) performed at Invitae indicates that this missense variant is expected to disrupt RECQL4 protein function. ClinVar contains an entry for this variant (Variation ID: 1913413). This variant has not been reported in the literature in individuals affected with RECQL4-related conditions. This variant is not present in population databases (gnomAD no frequency). This sequence change replaces leucine, which is neutral and non-polar, with serine, which is neutral and polar, at codon 923 of the RECQL4 protein (p.Leu923Ser). In summary, the available evidence is currently insufficient to determine the role of this variant in disease. Therefore, it has been classified as a Variant of Uncertain Significance.

Genetic Services Laboratory, University of Chicago
Classification: Uncertain significance. Last evaluated: 2022-12-19. Review status: no assertion criteria provided. Collection method: clinical testing. Allele origin: germline. Affected: no. Not counted in ClinVar's aggregate classification.
Comment: DNA sequence analysis of the RECQL4 gene demonstrated a sequence change, c.2768T>C, in exon 16 that results in an amino acid change, p.Leu923Ser. This sequence change does not appear to have been previously described in individuals with RECQL4-related disorders and has also not been described in population databases such as ExAC and gnomAD (dbSNP rs895459988). The p.Leu923Ser change affects a highly conserved amino acid residue located in a domain of the RECQL4 protein that is not known to be functional. The p.Leu923Ser substitution appears to be deleterious using several in-silico pathogenicity prediction tools (SIFT, PolyPhen2, Align GVGD). Due to insufficient evidences and the lack of functional studies, the clinical significance of the p.Leu923Ser change remains unknown at this time.

NM_004260.4(RECQL4):c.2768T>C (p.Leu923Ser)

Gene: RECQL4 (RecQ like helicase 4; minus strand). Cytogenetic location: 8q24.3.
Variant type: single nucleotide variant.
Coding change: c.2768T>C on transcript NM_004260.4 (MANE Select); coding-DNA position 2768, T replaced by C.
Protein change: p.Leu923Ser; replaces leucine 923 with serine.
Molecular consequence: missense variant.
Genome position (GRCh38, 1-based): chr8:144,512,759, A>G on the plus strand (T>C on the coding strand, the complement: RECQL4 is on the minus strand). VCF-style: chr8-144512759-A-G. GRCh37 (hg19) VCF-style: chr8-145738142-A-G.
Other names: c.2768T>C (NM_004260.3); c.2474T>C, p.Leu825Ser (NM_001413017.1); c.2570T>C, p.Leu857Ser (NM_001413018.1); c.2843T>C, p.Leu948Ser (NM_001413019.1); c.2672T>C, p.Leu891Ser (NM_001413020.1); c.1697T>C, p.Leu566Ser (NM_001413021.1, NM_001413022.1, NM_001413024.1 and 4 more transcripts); c.1772T>C, p.Leu591Ser (NM_001413023.1); c.2639T>C, p.Leu880Ser (NM_001413025.1); and 10 more; short protein forms L500S, L522S, L544S, L556S, L566S, L591S, L806S, L825S.
Identifiers: ClinVar variation 1913413 (VCV001913413.7), dbSNP rs895459988, ClinGen allele CA187680990.